The following is an entry in ClinVar:

NM_019023.5(PRMT7):c.1554C>T (p.His518=)

Gene: PRMT7 (protein arginine methyltransferase 7; plus strand). Cytogenetic location: 16q22.1.
Variant type: single nucleotide variant.
Coding change: c.1554C>T on transcript NM_019023.5 (MANE Select); coding-DNA position 1554, C replaced by T.
Protein change: p.His518=; no amino-acid change (histidine 518 retained).
Molecular consequence: synonymous variant. On other transcripts: non-coding transcript variant (12), intron variant (1).
Genome position (GRCh38, 1-based): chr16:68,352,388, C>T. VCF-style: chr16-68352388-C-T. GRCh37 (hg19) VCF-style: chr16-68386291-C-T.
Other names: c.1481+73C>T (NM_001351144.3); c.1404C>T, p.His468= (NM_001184824.4); c.1554C>T, p.His518= (NM_001290018.2, NM_001351143.3, NM_001378018.1); c.1347C>T, p.His449= (NM_001378020.1); c.1317C>T, p.His439= (NM_001378021.1, NM_001378022.1, NM_001378023.1).
Identifiers: ClinVar variation 746627 (VCV000746627.33), dbSNP rs149581712, ClinGen allele CA8127503.
Genomic context (GRCh38, chr16:68,352,388, plus strand): 5'-CGCTGTGGACCAGCACCTGGGGCCAGGTGCCATGGTGATGCCCCAGGCAGCCTCGCTGCA[C>T]GCTGTGGTTGTGGAGTTCAGGGTAGGCCACCCAGGGGATGTTGGAGAAAAAAGCAGAGGA-3'
Protein context (NP_061896.1, residues 508-528): AMVMPQAASL[His518=]AVVVEFRDLW

ClinVar aggregate classification (germline): Likely benign. Review status: criteria provided, multiple submitters, no conflicts (2 of 4 stars). 4 submissions from 4 submitters: Likely benign (4). Last evaluated 2025-08-05.

Conditions:
PRMT7-related disorder. Also called: PRMT7-related condition.

Allele frequency attached by ClinVar (database versions not stated): gnomAD 0.00007 and 0.00008; TOPMed 0.00007; ESP Exome Variant Server 0.00008; 1000 Genomes Project 30x 0.00031; 1000 Genomes Project 0.00040.
gnomAD v4.1: 145 of 1,606,342 alleles (0.009%); highest among the groups gnomAD compares: Middle Eastern, 0.17%; no homozygotes.

Submissions (4):

PreventionGenetics, part of Exact Sciences
Classification: Likely benign for PRMT7-related condition. Last evaluated: 2025-08-05. Review status: criteria provided, single submitter. Criteria: ACMG Guidelines, 2015. Collection method: clinical testing. Allele origin: germline.
Comment: This variant is classified as likely benign based on ACMG/AMP sequence variant interpretation guidelines (Richards et al. 2015 PMID: 25741868, with internal and published modifications).

CeGaT Center for Human Genetics Tuebingen
Classification: Likely benign. Last evaluated: 2025-04-01. Review status: criteria provided, single submitter. Criteria: CeGaT Center For Human Genetics Tuebingen Variant Classification Criteria Version 2. Collection method: clinical testing. Allele origin: germline. Affected: yes. Observed: 3 variant alleles.
Comment: PRMT7: BP4, BP7

Laboratory of Genetics, Children's Clinical University Hospital Latvia
Classification: Likely benign. Last evaluated: 2025-02-16. Review status: criteria provided, single submitter. Criteria: ACMG Guidelines, 2015. Collection method: clinical testing. Allele origin: germline. Affected: yes.

Labcorp Genetics (formerly Invitae), Labcorp
Classification: Likely benign. Last evaluated: 2025-01-27. Review status: criteria provided, single submitter. Criteria: Invitae Variant Classification Sherloc (09022015). Collection method: clinical testing. Allele origin: germline.